The following is an entry in ClinVar:

NM_005334.3(HCFC1):c.4626G>A (p.Glu1542=)

Gene: HCFC1 (host cell factor C1; minus strand). Cytogenetic location: Xq28.
Variant type: single nucleotide variant.
Coding change: c.4626G>A on transcript NM_005334.3 (MANE Select); coding-DNA position 4626, G replaced by A.
Protein change: p.Glu1542=; no amino-acid change (glutamic acid 1542 retained).
Molecular consequence: synonymous variant.
Genome position (GRCh38, 1-based): chrX:153,952,830, C>T on the plus strand (G>A on the coding strand, the complement: HCFC1 is on the minus strand). VCF-style: chrX-153952830-C-T. GRCh37 (hg19) VCF-style: chrX-153218281-C-T.
Identifiers: ClinVar variation 386087 (VCV000386087.20), dbSNP rs372900932, ClinGen allele CA10556936.
Genomic context (GRCh38, chrX:153,952,830, plus strand): 5'-GGCAGACTCCTGGCCCGAAGATGGCTCCCCTGTGCTGCTCAGATCCACGGCGGCCGGGAG[C>T]TCAGGGGTCTGGGAGGCTGACAGGACCTCGGCGGACTCCCCCATCAGGGCTGTGGAAGCC-3'
Protein context (NP_005325.2, residues 1532-1552): AEVLSASQTP[Glu1542=]LPAAVDLSST

ClinVar aggregate classification (germline): Benign/Likely benign. Review status: criteria provided, multiple submitters, no conflicts (2 of 4 stars). 6 submissions from 6 submitters: Benign (1); Likely benign (4). 1 of the submissions does not count toward it. Last evaluated 2026-08-01.

Conditions:
HCFC1-related disorder. Also called: HCFC1-related condition.
Methylmalonic acidemia with homocystinuria, type cblX (MAHCX). Also called: INTELLECTUAL DEVELOPMENTAL DISORDER, X-LINKED 3. Identifiers: Orphanet 369962, MedGen C0796208, MONDO:0010657, OMIM 309541.

Allele frequency attached by ClinVar (database versions not stated): gnomAD exomes 0.00014 and 0.00003; ExAC 0.00016; 1000 Genomes Project 30x 0.00021; 1000 Genomes Project 0.00026; gnomAD 0.00010 and 0.00011; TOPMed 0.00011.
gnomAD v4.1: 105 of 1,193,314 alleles (0.0088%); highest among the groups gnomAD compares: East Asian, 0.12%; 7 homozygotes.

Submissions (6):

CeGaT Center for Human Genetics Tuebingen
Classification: Likely benign. Last evaluated: 2026-08-01. Review status: criteria provided, single submitter. Criteria: CeGaT Center For Human Genetics Tuebingen Variant Classification Criteria Version 2. Collection method: clinical testing. Allele origin: germline. Affected: yes. Observed: 1 variant allele.
Comment: HCFC1: BP4, BP7, BS2

Labcorp Genetics (formerly Invitae), Labcorp
Classification: Benign for Methylmalonic acidemia with homocystinuria, type cblX. Last evaluated: 2026-01-28. Review status: criteria provided, single submitter. Criteria: Invitae Variant Classification Sherloc (09022015). Collection method: clinical testing. Allele origin: germline.

Blueprint Genetics
Classification: Likely benign. Last evaluated: 2024-10-23. Review status: criteria provided, single submitter. Criteria: ACMG Guidelines, 2015. Collection method: clinical testing. Allele origin: germline.

Genetic Services Laboratory, University of Chicago
Classification: Likely benign. Last evaluated: 2017-02-23. Review status: criteria provided, single submitter. Criteria: ACMG Guidelines, 2015. Collection method: clinical testing. Allele origin: germline. Affected: no.

GeneDx
Classification: Likely benign. Last evaluated: 2016-12-15. Review status: criteria provided, single submitter. Criteria: GeneDx Variant Classification (06012015). Collection method: clinical testing. Allele origin: germline. Affected: yes.
Comment: This variant is considered likely benign or benign based on one or more of the following criteria: it is a conservative change, it occurs at a poorly conserved position in the protein, it is predicted to be benign by multiple in silico algorithms, and/or has population frequency not consistent with disease.

PreventionGenetics, part of Exact Sciences
Classification: Likely benign for HCFC1-related condition. Last evaluated: 2019-10-02. Review status: no assertion criteria provided. Collection method: clinical testing. Allele origin: germline. Not counted in ClinVar's aggregate classification.
Comment: This variant is classified as likely benign based on ACMG/AMP sequence variant interpretation guidelines (Richards et al. 2015 PMID: 25741868, with internal and published modifications).